The following is an entry in ClinVar:

NM_001007527.2(LMBRD2):c.367T>C (p.Trp123Arg)

Gene: LMBRD2 (LMBR1 domain containing 2; minus strand). Cytogenetic location: 5p13.2.
Variant type: single nucleotide variant.
Coding change: c.367T>C on transcript NM_001007527.2 (MANE Select); coding-DNA position 367, T replaced by C.
Protein change: p.Trp123Arg; replaces tryptophan 123 with arginine.
Molecular consequence: missense variant.
Genome position (GRCh38, 1-based): chr5:36,141,108, A>G on the plus strand (T>C on the coding strand, the complement: LMBRD2 is on the minus strand). VCF-style: chr5-36141108-A-G. GRCh37 (hg19) VCF-style: chr5-36141210-A-G.
Other names: c.367T>C (NM_001007527.1); short protein forms W123R.
Identifiers: ClinVar variation 1334129 (VCV001334129.6), dbSNP rs2111907902, ClinGen allele CA359453624.

ClinVar aggregate classification (germline): Pathogenic. Review status: criteria provided, multiple submitters, no conflicts (2 of 4 stars). 4 submissions from 4 submitters: Pathogenic (2). 2 of the submissions do not count toward it. Last evaluated 2026-10-22.

Conditions:
LMBRD2-related disorder.
Developmental delay with variable neurologic and brain abnormalities (MLHNS). Also called: MALHOTRA NEURODEVELOPMENTAL SYNDROME. Identifiers: MedGen C5562060, MONDO:0859218, OMIM 619694.

Submissions (4):

Genetics Department, University Hospital of Toulouse
Classification: Pathogenic for Developmental delay with variable neurologic and brain abnormalities. Last evaluated: 2026-10-22. Review status: criteria provided, single submitter. Criteria: ACMG Guidelines, 2015. Collection method: clinical testing. Allele origin: unknown. Inheritance: Autosomal dominant inheritance. Affected: yes.
Comment: The LMBRD2 c.367T>C p.(Trp123Arg) missense variant has been identified in individuals with a phenotype consistent with developmental delay with variable neurologic and brain abnormalities in a de novo state (PMID: 32820033; internal data). This variant is not observed in version 4.1.2 of the Genome Aggregation Database. Multiple lines of computational evidence suggest the variant may impact the gene or gene product. Based on the available evidence, the c.367T>C p.(Trp123Arg) variant has been classified as pathogenic for developmental delay with variable neurologic and brain abnormalities.

Victorian Clinical Genetics Services, Murdoch Childrens Research Institute
Classification: Pathogenic for Developmental delay with variable neurologic and brain abnormalities. Last evaluated: 2026-04-20. Review status: criteria provided, single submitter. Criteria: ACMG Guidelines, 2015. Collection method: clinical testing. Allele origin: germline. Affected: yes.
Comment: This variant is classified as Pathogenic. Evidence in support of pathogenic classification: Variant is absent from gnomAD (v2, v3 and v4); This variant has strong previous evidence of pathogenicity in unrelated individuals. This variant has been classified as likely pathogenic by a clinical laboratory in ClinVar. This variant has been reported as de novo in two individuals affected with LMBRD2-related developmental delay with variable neurologic and brain abnormalities (PMID: 32820033); Missense variant predicted to be damaging by in silico tool(s) or highly conserved with a major amino acid change; Additional information: Variant is predicted to result in a missense amino acid change from Trp to Arg; This variant is heterozygous; This gene is associated with autosomal dominant disease; Variant is located in the annotated LMBR1-like membrane protein domain (DECIPHER); The mechanism of disease for this gene is not clearly established. However, due to the prevalence of de novo missense variants identified in affected individuals, gain of function or dominant negative are both suggested mechanisms of disease (PMID: 32820033); Variants in this gene are known to have variable expressivity. Affected individuals are reported with varying severity and phenotypes (PMID: 32820033).

OMIM
Classification: Pathogenic for MALHOTRA NEURODEVELOPMENTAL SYNDROME. Last evaluated: 2026-09-25. Review status: no assertion criteria provided. Collection method: literature only. Allele origin: germline. Not counted in ClinVar's aggregate classification.

PreventionGenetics, part of Exact Sciences
Classification: Likely pathogenic for LMBRD2-related condition. Last evaluated: 2024-03-02. Review status: no assertion criteria provided. Collection method: clinical testing. Allele origin: germline. Not counted in ClinVar's aggregate classification.
Comment: The LMBRD2 c.367T>C variant is predicted to result in the amino acid substitution p.Trp123Arg. This variant was reported as a de novo finding in two unrelated individuals with autosomal dominant LMBRD2-related developmental delay with variable neurologic and brain abnormalities (Malhotra et al. 2021. PubMed ID: 32820033). This variant has not been reported in a large population database, indicating this variant is rare. This variant is interpreted as likely pathogenic.

Literature cited by the submitters: PubMed 32820033 (cited by 3 submitters).